The following is an entry in ClinVar:

NM_144672.4(OTOA):c.1049T>C (p.Leu350Pro)

Gene: OTOA (otoancorin). Cytogenetic location: 16p12.2.
Variant type: single nucleotide variant.
Coding change: c.1049T>C on transcript NM_144672.4 (MANE Select); coding-DNA position 1049, T replaced by C.
Protein change: p.Leu350Pro; replaces leucine 350 with proline.
Molecular consequence: missense variant.
Genome position (GRCh38, 1-based): chr16:21,705,237, T>C. VCF-style: chr16-21705237-T-C. GRCh37 (hg19) VCF-style: chr16-21716558-T-C.
Other names: c.812T>C, p.Leu271Pro (NM_001161683.2); c.77T>C, p.Leu26Pro (NM_170664.3); short protein forms L26P, L271P, L350P.
Identifiers: ClinVar variation 1708203 (VCV001708203.3), dbSNP rs1429567593, ClinGen allele CA395061373.

ClinVar aggregate classification (germline): Uncertain significance. Review status: criteria provided, multiple submitters, no conflicts (2 of 4 stars). 2 submissions from 2 submitters: Uncertain significance (2). Last evaluated 2022-03-01.

Conditions:
Autosomal recessive nonsyndromic hearing loss 22. Identifiers: Orphanet 90636, MedGen C1846896, MONDO:0011762, OMIM 607039.

Allele frequency attached by ClinVar (database versions not stated): TOPMed below 0.00001; gnomAD 0.00001.
gnomAD v4.1: 1 of 1,614,034 alleles (0.000062%); highest among the groups gnomAD compares: African/African-American, 0.0013%; no homozygotes.

Submissions (2):

Baylor Genetics
Classification: Uncertain significance for Autosomal recessive nonsyndromic hearing loss 22. Last evaluated: 2022-03-01. Review status: criteria provided, single submitter. Criteria: ACMG Guidelines, 2015. Collection method: clinical testing. Allele origin: unknown.

Wangler Lab, Baylor College of Medicine
Classification: Uncertain significance for Autosomal recessive nonsyndromic hearing loss 22. Review status: criteria provided, single submitter. Criteria: ACMG Guidelines, 2015. Collection method: clinical testing. Allele origin: unknown. Affected: yes.
Comment: This OTOA missense variant at c.1049T>C (p.L350P) was seen on exome through the Texome Project (R01HG011795). It has a CADD score of 26.200. This variant has a frequency of <0.001% on gnomAD in a heterozygous state. We classify this variant as a variant of uncertain significance.